The following is an entry in ClinVar:

ClinVar aggregate classification (germline): Uncertain significance (1 of 4 stars; one submission).

Conditions:
Hereditary cancer-predisposing syndrome. Also called: Hereditary neoplastic syndrome; Tumor predisposition; Hereditary Cancer Syndrome; Neoplastic Syndromes, Hereditary. Identifiers: Orphanet 140162, MedGen C0027672, MeSH D009386, MONDO:0015356.

Submission:

Ambry Genetics
Classification: Uncertain significance for Hereditary cancer-predisposing syndrome. Last evaluated: 2023-08-31. Review status: criteria provided, single submitter. Criteria: Ambry Variant Classification Scheme 2023. Collection method: clinical testing. Allele origin: germline.
Comment: The c.1908-7_1908-5delTTC intronic variant results from a deletion of 3 nucleotides (TTC) between positions c.1908-7 and c.1908-5 within intron 10 of the DICER1 gene. This nucleotide region is not well conserved in available vertebrate species. In silico splice site analysis for this alteration is inconclusive. Since supporting evidence is limited at this time, the clinical significance of this alteration remains unclear.

NM_177438.3(DICER1):c.1908-7_1908-5del

Gene: DICER1 (dicer 1, ribonuclease III; minus strand). Cytogenetic location: 14q32.13.
Variant type: Microsatellite.
Coding change: c.1908-7_1908-5del on transcript NM_177438.3 (MANE Select); 7 bases into the intron before coding-DNA position 1908 through 5 bases into the intron before coding-DNA position 1908, 3 bases deleted (TTC; older notation c.1908-7_1908-5delTTC).
Molecular consequence: intron variant.
Genome position (GRCh38, 1-based): chr14:95,113,229-95,113,231, GAA deleted on the plus strand (TTC on the coding strand, the reverse complement: DICER1 is on the minus strand); deleting any 3 consecutive bases within chr14:95,113,229-95,113,234 gives the same sequence; the c. name uses the placement nearest the transcript's 3' end. VCF-style (leftmost placement, unchanged base first): chr14-95113228-TGAA-T. GRCh37 (hg19) VCF-style: chr14-95579565-TGAA-T.
Other names: c.1908-7_1908-5del (NM_001291628.2, NM_030621.4, NM_001395677.1 and 12 more transcripts); c.1503-7_1503-5del (NM_001395690.1, NM_001395687.1, NM_001395689.1 and 3 more transcripts); c.1626-7_1626-5del (NM_001395686.1); c.1341-7_1341-5del (NM_001395691.1); c.225-7_225-5del (NM_001395697.1).
Identifiers: ClinVar variation 2586421 (VCV002586421.2), dbSNP rs2542956545, ClinGen allele CA2582341767.